The following is an entry in ClinVar:

ClinVar aggregate classification (germline): Uncertain significance (1 of 4 stars; one submission).

Conditions:
Hypertrophic cardiomyopathy. Also called: HYPERTROPHIC MYOCARDIOPATHY. Identifiers: Orphanet 217569, MedGen C0007194, MeSH D002312, MONDO:0005045, HP:0001639.

Submission:

Labcorp Genetics (formerly Invitae), Labcorp
Classification: Uncertain significance for Hypertrophic cardiomyopathy. Last evaluated: 2023-06-02. Review status: criteria provided, single submitter. Criteria: Invitae Variant Classification Sherloc (09022015). Collection method: clinical testing. Allele origin: germline.
Comment: In summary, the available evidence is currently insufficient to determine the role of this variant in disease. Therefore, it has been classified as a Variant of Uncertain Significance. An algorithm developed to predict the effect of missense changes on protein structure and function (PolyPhen-2) suggests that this variant is likely to be disruptive. This variant has not been reported in the literature in individuals affected with JPH2-related conditions. This variant is not present in population databases (gnomAD no frequency). This sequence change replaces serine, which is neutral and polar, with arginine, which is basic and polar, at codon 102 of the JPH2 protein (p.Ser102Arg).

NM_020433.5(JPH2):c.306C>A (p.Ser102Arg)

Gene: JPH2 (junctophilin 2; minus strand). Cytogenetic location: 20q13.12.
Variant type: single nucleotide variant.
Coding change: c.306C>A on transcript NM_020433.5 (MANE Select); coding-DNA position 306, C replaced by A.
Protein change: p.Ser102Arg; replaces serine 102 with arginine.
Molecular consequence: missense variant.
Genome position (GRCh38, 1-based): chr20:44,186,400, G>T on the plus strand (C>A on the coding strand, the complement: JPH2 is on the minus strand). VCF-style: chr20-44186400-G-T. GRCh37 (hg19) VCF-style: chr20-42815040-G-T.
Other names: c.306C>A, p.Ser102Arg (NM_175913.4); short protein forms S102R.
Identifiers: ClinVar variation 2756684 (VCV002756684.3), dbSNP rs779455211, ClinGen allele CA409095082.
Genomic context (GRCh38, chr20:44,186,400, plus strand): 5'-GGTCTCGGTGCCATAGCCGTCTTGCAGGCCATTGTTCCAGGTGCCCTCATACTTGGCACC[G>T]CTGCTTGAGCTCTGCCGGATTCCGTAGCGTCCCTTGAAGCCATGTGTCCACTCGCCCTTG-3'
Protein context (NP_065166.2, residues 92-112): GRYGIRQSSS[Ser102Arg]GAKYEGTWNN